The following is an entry in ClinVar:

ClinVar aggregate classification (germline): Pathogenic (1 of 4 stars; one submission).

Submission:

Labcorp Genetics (formerly Invitae), Labcorp
Classification: Pathogenic. Last evaluated: 2020-01-06. Review status: criteria provided, single submitter. Criteria: Invitae Variant Classification Sherloc (09022015). Collection method: clinical testing. Allele origin: germline.
Comment: This variant is a gross deletion of the genomic region encompassing exons 3-9 of the TANGO2 gene. The 5' boundary is likely confined to intron 2. The 3' end of this event is unknown as it extends through the termination codon beyond the assayed region for this gene and may encompass additional genes. While this deletion is not anticipated to result in nonsense mediated decay, it is expected to create a truncated protein product or disrupt mRNA translation. Deletion of exons 3-9 has been reported to be homozygous or compound heterozygous in several individuals with rhabdomyolysis, metabolic crisis, and cardiac abnormalities (PMID: 26805781, 26805782). Loss-of-function variants in TANGO2 are known to be pathogenic (PMID: 26805781, 26805782). For these reasons, this variant has been classified as Pathogenic.

Literature cited by the submitters: PubMed 26805782; PubMed 26805781.

NC_000022.11:g.(?_20043355)_(20064662_?)del

Gene: TANGO2 (transport and golgi organization 2 homolog; plus strand). Cytogenetic location: 22q11.21.
Variant type: Deletion.
Identifiers: ClinVar variation 662837 (VCV000662837.2).